The following is an entry in ClinVar:

NM_001048174.2(MUTYH):c.82A>T (p.Asn28Tyr)

Gene: MUTYH (mutY DNA glycosylase; minus strand). Cytogenetic location: 1p34.1.
Variant type: single nucleotide variant.
Coding change: c.82A>T on transcript NM_001048174.2 (MANE Select); coding-DNA position 82, A replaced by T.
Protein change: p.Asn28Tyr; replaces asparagine 28 with tyrosine.
Molecular consequence: missense variant. On other transcripts: 5 prime UTR variant (7), non-coding transcript variant (7).
Genome position (GRCh38, 1-based): chr1:45,334,424, T>A on the plus strand (A>T on the coding strand, the complement: MUTYH is on the minus strand). VCF-style: chr1-45334424-T-A. GRCh37 (hg19) VCF-style: chr1-45800096-T-A.
Other names: c.82A>T, p.Asn28Tyr (NM_001048171.2, NM_001048172.2, NM_001048173.2 and 15 more transcripts); c.124A>T, p.Asn42Tyr (NM_001128425.2, NM_001293190.2, NM_001407069.1 and 2 more transcripts); c.-131A>T (NM_001293192.2, NM_001293196.2, NM_001407091.1); c.-190A>T (NM_001350650.2); c.-126A>T (NM_001350651.2, NM_001407082.1); c.-75A>T (NM_001407075.1); c.100A>T, p.Asn34Tyr (NM_001407087.1); short protein forms N28Y, N34Y, N42Y.
Identifiers: ClinVar variation 4113128 (VCV004113128.1).

ClinVar aggregate classification (germline): Uncertain significance (1 of 4 stars; one submission).

Conditions:
Hereditary cancer-predisposing syndrome. Also called: Tumor predisposition; Neoplastic Syndromes, Hereditary; Hereditary neoplastic syndrome; Hereditary Cancer Syndrome. Identifiers: Orphanet 140162, MedGen C0027672, MeSH D009386, MONDO:0015356.

Submission:

Ambry Genetics
Classification: Uncertain significance for Hereditary cancer-predisposing syndrome. Last evaluated: 2025-08-27. Review status: criteria provided, single submitter. Criteria: Ambry Variant Classification Scheme 2023. Collection method: clinical testing. Allele origin: germline.
Comment: The p.N42Y variant (also known as c.124A>T), located in coding exon 2 of the MUTYH gene, results from an A to T substitution at nucleotide position 124. The asparagine at codon 42 is replaced by tyrosine, an amino acid with dissimilar properties. This amino acid position is conserved. In addition, this alteration is predicted to be tolerated by in silico analysis. Based on the available evidence, the clinical significance of this variant remains unclear.